The following is an entry in ClinVar:

NM_013275.6(ANKRD11):c.7813CTC[1] (p.Leu2606del)

Gene: ANKRD11 (ankyrin repeat domain 11; minus strand). Cytogenetic location: 16q24.3.
Variant type: Microsatellite.
Coding change: c.7813CTC[1] on transcript NM_013275.6 (MANE Select); one copy of the 3-base unit CTC starting at c.7813; the reference has two copies in a row; one copy, 3 bases deleted.
Protein change: p.Leu2606del; deletes leucine 2606.
Molecular consequence: inframe deletion.
Genome position (GRCh38, 1-based): chr16:89,268,652-89,268,654, GAG deleted on the plus strand (CTC on the coding strand, the reverse complement: ANKRD11 is on the minus strand); deleting any 3 consecutive bases within chr16:89,268,652-89,268,658 gives the same sequence; the position shown is the placement nearest the transcript's 3' end. VCF-style (leftmost placement, unchanged base first): chr16-89268651-TGAG-T. GRCh37 (hg19) VCF-style: chr16-89335059-TGAG-T.
Other names: c.7813CTC[1], p.Leu2606del (NM_001256182.2, NM_001256183.2); short protein forms L2606del.
Identifiers: ClinVar variation 1303861 (VCV001303861.3), dbSNP rs2151661123, ClinGen allele CA2580613925.
Genomic context (GRCh38, chr16:89,268,651, plus strand): 5'-TCAGCTGCCACTCCATCCTCTGCACGGCGTTCAGGGCCGCGGCCTCGTGCTGCTGCCGCA[TGAG>T]GAGGCAAGTCTGCGGGACACACAGCGGGGAGAGGAGGGAGGAGGAGTGAAGGGAGAGCCC-3'

ClinVar aggregate classification (germline): Uncertain significance. Review status: criteria provided, multiple submitters, no conflicts (2 of 4 stars). 2 submissions from 2 submitters: Uncertain significance (2). Last evaluated 2026-03-05.

Conditions:
KBG syndrome (KBGS). Also called: ANKRD11-Related KBG Syndrome. Identifiers: Orphanet 2332, MedGen C0220687, MONDO:0007846, OMIM 148050.

Submissions (2):

Mendelics
Classification: Uncertain significance for KBG syndrome. Last evaluated: 2026-03-05. Review status: criteria provided, single submitter. Criteria: ACMG Guidelines, 2015. Collection method: clinical testing. Allele origin: unknown.
Comment: The available evidence is insufficient to conclusively determine the role of this variant. Therefore, it is classified as a Variant of Uncertain Significance.

GeneDx
Classification: Uncertain significance. Last evaluated: 2019-07-18. Review status: criteria provided, single submitter. Criteria: GeneDx Variant Classification Process June 2021. Collection method: clinical testing. Allele origin: germline. Affected: yes.
Comment: Not observed in large population cohorts (Lek et al., 2016); In silico analysis, which includes protein predictors and evolutionary conservation, supports a deleterious effect; Has not been previously published as pathogenic or benign to our knowledge